The following is an entry in ClinVar:

ClinVar aggregate classification (germline): Pathogenic. Review status: criteria provided, multiple submitters, no conflicts (2 of 4 stars). 2 submissions from 2 submitters: Pathogenic (2). Last evaluated 2024-11-17.

Conditions:
Hereditary spastic paraplegia 4. Also called: Spastic paraplegia 4, autosomal dominant; Spastic Paraplegia 4; Familial spastic paraplegia autosomal dominant 2. Identifiers: Orphanet 100985, MedGen C1866855, MONDO:0008438, OMIM 182601.

Submissions (2):

GeneDx
Classification: Pathogenic. Last evaluated: 2024-11-17. Review status: criteria provided, single submitter. Criteria: GeneDx Variant Classification Process June 2021. Collection method: clinical testing. Allele origin: germline. Affected: yes.
Comment: Reported in a patient with spastic paraplegia type 4 in published literature; however, no further clinical or segregation information was provided (PMID: 30476002); Not observed at significant frequency in large population cohorts (gnomAD); In silico analysis supports that this missense variant has a deleterious effect on protein structure/function; This variant is associated with the following publications: (PMID: 21139634, 26094131, 30476002)

Labcorp Genetics (formerly Invitae), Labcorp
Classification: Pathogenic for Hereditary spastic paraplegia 4. Last evaluated: 2022-11-28. Review status: criteria provided, single submitter. Criteria: Invitae Variant Classification Sherloc (09022015). Collection method: clinical testing. Allele origin: germline.
Comment: ClinVar contains an entry for this variant (Variation ID: 1454039). This sequence change replaces lysine, which is basic and polar, with asparagine, which is neutral and polar, at codon 388 of the SPAST protein (p.Lys388Asn). This variant is not present in population databases (gnomAD no frequency). This missense change has been observed in individual(s) with clinical features of hereditary spastic paraplegia (PMID: 30476002). Advanced modeling of protein sequence and biophysical properties (such as structural, functional, and spatial information, amino acid conservation, physicochemical variation, residue mobility, and thermodynamic stability) performed at Invitae indicates that this missense variant is expected to disrupt SPAST protein function. For these reasons, this variant has been classified as Pathogenic.

Literature cited by the submitters: PubMed 30476002 (cited by Labcorp Genetics (formerly Invitae), Labcorp).

NM_014946.4(SPAST):c.1164G>C (p.Lys388Asn)

Gene: SPAST (spastin; plus strand). Cytogenetic location: 2p22.3.
Variant type: single nucleotide variant.
Coding change: c.1164G>C on transcript NM_014946.4 (MANE Select); coding-DNA position 1164, G replaced by C.
Protein change: p.Lys388Asn; replaces lysine 388 with asparagine.
Molecular consequence: missense variant.
Genome position (GRCh38, 1-based): chr2:32,127,013, G>C. VCF-style: chr2-32127013-G-C. GRCh37 (hg19) VCF-style: chr2-32352082-G-C.
Other names: c.1161G>C, p.Lys387Asn (NM_001363823.2); c.1065G>C, p.Lys355Asn (NM_001363875.2); c.1068G>C, p.Lys356Asn (NM_001377959.1, NM_199436.2); c.1164G>C (NM_014946.3); short protein forms K387N, K355N, K388N, K356N.
Identifiers: ClinVar variation 1454039 (VCV001454039.9), dbSNP rs1553316838, ClinGen allele CA346501329.